The following is an entry in ClinVar:

NM_004092.4(ECHS1):c.-21G>C

Genes: ECHS1 (enoyl-CoA hydratase, short chain 1; minus strand), LOC130005023 (ATAC-STARR-seq lymphoblastoid silent region 2977; plus strand). Cytogenetic location: 10q26.3.
Variant type: single nucleotide variant.
Coding change: c.-21G>C on transcript NM_004092.4 (MANE Select); 21 bases upstream of the start codon, G replaced by C.
Molecular consequence: 5 prime UTR variant.
Genome position (GRCh38, 1-based): chr10:133,373,354, C>G on the plus strand (G>C on the coding strand, the complement: ECHS1 is on the minus strand). VCF-style: chr10-133373354-C-G. GRCh37 (hg19) VCF-style: chr10-135186858-C-G.
Identifiers: ClinVar variation 512455 (VCV000512455.1), dbSNP rs1554886808, ClinGen allele CA658797555.
Genomic context (GRCh38, chr10:133,373,354, plus strand): 5'-GGCCGCGGACGCAGGACAGCAGGACACGCAGGGCGGCCATGGCTCTCTGGACTCCTCGCC[C>G]GGCCCCGCGGAGCCGCCCCCTCGCCTATAGCCTTTCAGGGCTCGCTCCGCCCACAGGCCA-3'

ClinVar aggregate classification (germline): Likely benign (1 of 4 stars; one submission).

Submission:

GeneDx
Classification: Likely benign. Last evaluated: 2017-10-16. Review status: criteria provided, single submitter. Criteria: GeneDx Variant Classification (06012015). Collection method: clinical testing. Allele origin: germline. Affected: yes.
Comment: This variant is considered likely benign or benign based on one or more of the following criteria: it is a conservative change, it occurs at a poorly conserved position in the protein, it is predicted to be benign by multiple in silico algorithms, and/or has population frequency not consistent with disease.